The following is an entry in ClinVar:

ClinVar aggregate classification (germline): Uncertain significance (1 of 4 stars; one submission).

Submission:

Labcorp Genetics (formerly Invitae), Labcorp
Classification: Uncertain significance. Last evaluated: 2025-04-19. Review status: criteria provided, single submitter. Criteria: Invitae Variant Classification Sherloc (09022015). Collection method: clinical testing. Allele origin: germline.
Comment: This sequence change replaces proline, which is neutral and non-polar, with leucine, which is neutral and non-polar, at codon 1271 of the COL4A1 protein (p.Pro1271Leu). This variant is not present in population databases (gnomAD no frequency). This variant has not been reported in the literature in individuals affected with COL4A1-related conditions. ClinVar contains an entry for this variant (Variation ID: 2052320). Invitae Evidence Modeling of protein sequence and biophysical properties (such as structural, functional, and spatial information, amino acid conservation, physicochemical variation, residue mobility, and thermodynamic stability) indicates that this missense variant is not expected to disrupt COL4A1 protein function with a negative predictive value of 95%. In summary, the available evidence is currently insufficient to determine the role of this variant in disease. Therefore, it has been classified as a Variant of Uncertain Significance.

NM_001845.6(COL4A1):c.3812C>T (p.Pro1271Leu)

Gene: COL4A1 (collagen type IV alpha 1 chain; minus strand). Cytogenetic location: 13q34.
Variant type: single nucleotide variant.
Coding change: c.3812C>T on transcript NM_001845.6 (MANE Select); coding-DNA position 3812, C replaced by T.
Protein change: p.Pro1271Leu; replaces proline 1271 with leucine.
Molecular consequence: missense variant.
Genome position (GRCh38, 1-based): chr13:110,169,693, G>A on the plus strand (C>T on the coding strand, the complement: COL4A1 is on the minus strand). VCF-style: chr13-110169693-G-A. GRCh37 (hg19) VCF-style: chr13-110822040-G-A.
Other names: short protein forms P1271L.
Identifiers: ClinVar variation 2052320 (VCV002052320.4), dbSNP rs2501757706, ClinGen allele CA388661810.